The following is an entry in ClinVar:

ClinVar aggregate classification (germline): Uncertain significance. Review status: criteria provided, multiple submitters, no conflicts (2 of 4 stars). 2 submissions from 2 submitters: Uncertain significance (2). Last evaluated 2025-11-05.

Conditions:
Inborn genetic diseases. Identifiers: MedGen C0950123, MeSH D030342.
Transcobalamin II deficiency (TCN2D). Also called: Transcolabamin II deficiency; TC II DEFICIENCY; TCN2 DEFICIENCY. Identifiers: Orphanet 859, MedGen C0342701, MONDO:0010149, OMIM 275350.

Allele frequency attached by ClinVar (database versions not stated): ExAC 0.00002; gnomAD 0.00002; gnomAD exomes 0.00002; TOPMed 0.00004.

Submissions (2):

Ambry Genetics
Classification: Uncertain significance for Inborn genetic diseases. Last evaluated: 2025-11-05. Review status: criteria provided, single submitter. Criteria: Ambry Variant Classification Scheme 2023. Collection method: clinical testing. Allele origin: germline.

Labcorp Genetics (formerly Invitae), Labcorp
Classification: Uncertain significance for Transcobalamin II deficiency. Last evaluated: 2023-12-21. Review status: criteria provided, single submitter. Criteria: Invitae Variant Classification Sherloc (09022015). Collection method: clinical testing. Allele origin: germline.
Comment: This sequence change replaces methionine, which is neutral and non-polar, with threonine, which is neutral and polar, at codon 315 of the TCN2 protein (p.Met315Thr). This variant is present in population databases (rs764172898, gnomAD 0.006%). This variant has not been reported in the literature in individuals affected with TCN2-related conditions. ClinVar contains an entry for this variant (Variation ID: 1060708). Advanced modeling of protein sequence and biophysical properties (such as structural, functional, and spatial information, amino acid conservation, physicochemical variation, residue mobility, and thermodynamic stability) performed at Invitae indicates that this missense variant is not expected to disrupt TCN2 protein function with a negative predictive value of 80%. In summary, the available evidence is currently insufficient to determine the role of this variant in disease. Therefore, it has been classified as a Variant of Uncertain Significance.

NM_000355.4(TCN2):c.944T>C (p.Met315Thr)

Gene: TCN2 (transcobalamin 2; plus strand). Cytogenetic location: 22q12.2.
Variant type: single nucleotide variant.
Coding change: c.944T>C on transcript NM_000355.4 (MANE Select); coding-DNA position 944, T replaced by C.
Protein change: p.Met315Thr; replaces methionine 315 with threonine.
Molecular consequence: missense variant.
Genome position (GRCh38, 1-based): chr22:30,617,333, T>C. VCF-style: chr22-30617333-T-C. GRCh37 (hg19) VCF-style: chr22-31013320-T-C.
Other names: c.944T>C (NM_000355.3); c.863T>C, p.Met288Thr (NM_001184726.2); short protein forms M288T, M315T.
Identifiers: ClinVar variation 1060708 (VCV001060708.8), dbSNP rs764172898, ClinGen allele CA10184919.